The following is an entry in ClinVar:

NM_130811.4(SNAP25):c.136A>C (p.Thr46Pro)

Gene: SNAP25 (synaptosome associated protein 25; plus strand). Cytogenetic location: 20p12.2.
Variant type: single nucleotide variant.
Coding change: c.136A>C on transcript NM_130811.4 (MANE Select); coding-DNA position 136, A replaced by C.
Protein change: p.Thr46Pro; replaces threonine 46 with proline.
Molecular consequence: missense variant.
Genome position (GRCh38, 1-based): chr20:10,284,745, A>C. VCF-style: chr20-10284745-A-C. GRCh37 (hg19) VCF-style: chr20-10265393-A-C.
Other names: c.136A>C, p.Thr46Pro (NM_001322902.2, NM_001322903.2, NM_001322904.2 and 7 more transcripts); short protein forms T46P.
Identifiers: ClinVar variation 841868 (VCV000841868.9), dbSNP rs2063842678, ClinGen allele CA408265472.

ClinVar aggregate classification (germline): Uncertain significance (1 of 4 stars; one submission).

Conditions:
Congenital myasthenic syndrome 18. Also called: MYASTHENIC SYNDROME, CONGENITAL, 18, WITH INTELLECTUAL DISABILITY AND ATAXIA. Identifiers: Orphanet 590, MedGen C4225364, MONDO:0014590, OMIM 616330.

Submission:

Labcorp Genetics (formerly Invitae), Labcorp
Classification: Uncertain significance for Congenital myasthenic syndrome 18. Last evaluated: 2019-04-30. Review status: criteria provided, single submitter. Criteria: Invitae Variant Classification Sherloc (09022015). Collection method: clinical testing. Allele origin: germline.
Comment: In summary, the available evidence is currently insufficient to determine the role of this variant in disease. Therefore, it has been classified as a Variant of Uncertain Significance. Algorithms developed to predict the effect of missense changes on protein structure and function are either unavailable or do not agree on the potential impact of this missense change (SIFT: "Deleterious"; PolyPhen-2: "Benign"; Align-GVGD: "Class C35"). This variant has not been reported in the literature in individuals with SNAP25-related conditions. This variant is not present in population databases (ExAC no frequency). This sequence change replaces threonine with proline at codon 46 of the SNAP25 protein (p.Thr46Pro). The threonine residue is highly conserved and there is a small physicochemical difference between threonine and proline.